The following is an entry in ClinVar:

NM_002526.4(NT5E):c.562+1G>T

Gene: NT5E (5'-nucleotidase ecto; plus strand). Cytogenetic location: 6q14.3.
Variant type: single nucleotide variant.
Coding change: c.562+1G>T on transcript NM_002526.4 (MANE Select); the canonical splice donor site of the intron after coding-DNA position 562, G replaced by T.
Molecular consequence: splice donor variant.
Genome position (GRCh38, 1-based): chr6:85,467,283, G>T. VCF-style: chr6-85467283-G-T. GRCh37 (hg19) VCF-style: chr6-86177001-G-T.
Other names: c.562+1G>T (NM_001204813.2).
Identifiers: ClinVar variation 4881147 (VCV004881147.2).
Genomic context (GRCh38, chr6:85,467,283, plus strand): 5'-ATGAAGTTGTGGGAATCGTTGGATACACTTCCAAAGAAACCCCTTTTCTCTCAAATCCAG[G>T]TATTTTCTACTTTTATAGCACTCAATGCTTGAAAATAGATGCCCTAAATCACAGCTTGGC-3'

ClinVar aggregate classification (germline): Uncertain significance (1 of 4 stars; one submission).

gnomAD v4.1: 7 of 1,613,038 alleles (0.00043%); highest among the groups gnomAD compares: Admixed American, 0.0067%; no homozygotes.

Submission:

Dasa
Classification: Uncertain significance. Last evaluated: 2026-03-05. Review status: criteria provided, single submitter. Criteria: DASA Assertion Criteria. Collection method: clinical testing. Allele origin: germline.
Comment: NM_002526.4(NT5E):c.562+1G>T affects a canonical splice site and is predicted to disrupt normal RNA splicing. This variant is rare in population databases. The currently available literature and clinical evidence are not sufficient to establish a definitive association between this variant and the reported condition. Therefore, this variant is classified as a variant of uncertain significance.